The following is an entry in ClinVar:

ClinVar aggregate classification (germline): Uncertain significance. Review status: criteria provided, multiple submitters, no conflicts (2 of 4 stars). 4 submissions from 4 submitters: Uncertain significance (4). Last evaluated 2026-05-11.

Conditions:
Inborn genetic diseases. Identifiers: MedGen C0950123, MeSH D030342.
FAM161A-related disorder. Also called: FAM161A-related condition.

Allele frequency attached by ClinVar (database versions not stated): gnomAD exomes 0.00002 and 0.00007; ExAC 0.00008; gnomAD 0.00026 and 0.00027; ESP Exome Variant Server 0.00029; 1000 Genomes Project 30x 0.00031; TOPMed 0.00034; 1000 Genomes Project 0.00040.

Submissions (4):

PreventionGenetics, part of Exact Sciences
Classification: Uncertain significance for FAM161A-related condition. Last evaluated: 2026-05-11. Review status: criteria provided, single submitter. Criteria: ACMG Guidelines, 2015. Collection method: clinical testing. Allele origin: germline.
Comment: The FAM161A c.139G>C variant is predicted to result in the amino acid substitution p.Glu47Gln. To our knowledge, this variant has not been reported in the literature. This variant is reported in 0.099% of alleles in individuals of African descent in gnomAD, which may be too frequent to be a primary cause of disease. Although we suspect that this variant may be benign, at this time, the clinical significance of this variant is uncertain due to the absence of conclusive functional and genetic evidence.

Labcorp Genetics (formerly Invitae), Labcorp
Classification: Uncertain significance. Last evaluated: 2022-09-23. Review status: criteria provided, single submitter. Criteria: Invitae Variant Classification Sherloc (09022015). Collection method: clinical testing. Allele origin: germline.
Comment: This sequence change replaces glutamic acid, which is acidic and polar, with glutamine, which is neutral and polar, at codon 47 of the FAM161A protein (p.Glu47Gln). This variant is present in population databases (rs371812525, gnomAD 0.1%). This variant has not been reported in the literature in individuals affected with FAM161A-related conditions. ClinVar contains an entry for this variant (Variation ID: 866876). Algorithms developed to predict the effect of missense changes on protein structure and function output the following: SIFT: "Tolerated"; PolyPhen-2: "Benign"; Align-GVGD: "Class C0". The glutamine amino acid residue is found in multiple mammalian species, which suggests that this missense change does not adversely affect protein function. In summary, the available evidence is currently insufficient to determine the role of this variant in disease. Therefore, it has been classified as a Variant of Uncertain Significance.

Blueprint Genetics
Classification: Uncertain significance. Last evaluated: 2022-09-20. Review status: criteria provided, single submitter. Criteria: ACMG Guidelines, 2015. Collection method: clinical testing. Allele origin: germline.

Ambry Genetics
Classification: Uncertain significance for Inborn genetic diseases. Last evaluated: 2021-06-22. Review status: criteria provided, single submitter. Criteria: Ambry General Variant Classification Scheme_2022. Collection method: clinical testing. Allele origin: germline. Observed: 1 variant allele.

NM_001201543.2(FAM161A):c.139G>C (p.Glu47Gln)

Genes: FAM161A (FAM161 centrosomal protein A; minus strand), LOC129933843 (ATAC-STARR-seq lymphoblastoid active region 15839; plus strand). Cytogenetic location: 2p15.
Variant type: single nucleotide variant.
Coding change: c.139G>C on transcript NM_001201543.2 (MANE Select); coding-DNA position 139, G replaced by C.
Protein change: p.Glu47Gln; replaces glutamic acid 47 with glutamine.
Molecular consequence: missense variant. On other transcripts: non-coding transcript variant (1).
Genome position (GRCh38, 1-based): chr2:61,853,903, C>G on the plus strand (G>C on the coding strand, the complement: FAM161A is on the minus strand). VCF-style: chr2-61853903-C-G. GRCh37 (hg19) VCF-style: chr2-62081038-C-G.
Other names: c.139G>C, p.Glu47Gln (NM_032180.3); c.139G>C (NM_032180.2); short protein forms E47Q.
Identifiers: ClinVar variation 866876 (VCV000866876.5), dbSNP rs371812525, ClinGen allele CA1679440.